The following is an entry in ClinVar:

NM_014159.7(SETD2):c.6641C>T (p.Thr2214Ile)

Gene: SETD2 (SET domain containing 2, histone lysine methyltransferase; minus strand). Cytogenetic location: 3p21.31.
Variant type: single nucleotide variant.
Coding change: c.6641C>T on transcript NM_014159.7 (MANE Select); coding-DNA position 6641, C replaced by T.
Protein change: p.Thr2214Ile; replaces threonine 2214 with isoleucine.
Molecular consequence: missense variant. On other transcripts: non-coding transcript variant (1).
Genome position (GRCh38, 1-based): chr3:47,057,143, G>A on the plus strand (C>T on the coding strand, the complement: SETD2 is on the minus strand). VCF-style: chr3-47057143-G-A. GRCh37 (hg19) VCF-style: chr3-47098633-G-A.
Other names: c.6509C>T, p.Thr2170Ile (NM_001349370.3); short protein forms T2170I, T2214I.
Identifiers: ClinVar variation 2576887 (VCV002576887.1), dbSNP rs2545460830, ClinGen allele CA352520408.

ClinVar aggregate classification (germline): Uncertain significance (1 of 4 stars; one submission).

Submission:

GeneDx
Classification: Uncertain significance. Last evaluated: 2023-02-16. Review status: criteria provided, single submitter. Criteria: GeneDx Variant Classification Process June 2021. Collection method: clinical testing. Allele origin: germline. Affected: yes.
Comment: Not observed at significant frequency in large population cohorts (gnomAD); In silico analysis supports that this missense variant does not alter protein structure/function; Has not been previously published as pathogenic or benign to our knowledge